The following is an entry in ClinVar:

ClinVar aggregate classification (germline): Uncertain significance. Review status: criteria provided, multiple submitters, no conflicts (2 of 4 stars). 5 submissions from 5 submitters: Uncertain significance (5). Last evaluated 2026-07-10.

Conditions:
Long QT syndrome 8. Identifiers: MedGen CN260585, MONDO:0032756, OMIM 618447.
CACNA1C-related disorder. Also called: CACNA1C-related disorders; CACNA1C-related condition. Identifiers: MedGen CN381092, MONDO:0700321.
Long QT syndrome (LQTS). Identifiers: MedGen C0023976, MeSH D008133, MONDO:0002442. Disease mechanism: loss of function. Inheritance: Various modes of inheritance.

Allele frequency attached by ClinVar (database versions not stated): TOPMed 0.00002.
gnomAD v4.1: 49 of 1,607,074 alleles (0.003%); highest among the groups gnomAD compares: Non-Finnish European, 0.004%; no homozygotes.

Submissions (5):

PreventionGenetics, part of Exact Sciences
Classification: Uncertain significance for CACNA1C-related condition. Last evaluated: 2026-07-10. Review status: criteria provided, single submitter. Criteria: ACMG Guidelines, 2015. Collection method: clinical testing. Allele origin: germline.
Comment: The CACNA1C c.1420G>T variant is predicted to result in the amino acid substitution p.Val474Phe. This variant has been reported in an individual with atrioventricular septal defects (Proband DP02 in Tables S2 and S5, Meerschaut et al. 2022. PubMed ID: 35885997). This variant is reported in 0.0037% of alleles in individuals of European (Non-Finnish) descent in gnomAD. At this time, the clinical significance of this variant is uncertain due to the absence of conclusive functional and genetic evidence.

Labcorp Genetics (formerly Invitae), Labcorp
Classification: Uncertain significance for Long QT syndrome. Last evaluated: 2026-01-13. Review status: criteria provided, single submitter. Criteria: Invitae Variant Classification Sherloc (09022015). Collection method: clinical testing. Allele origin: germline.
Comment: This sequence change replaces valine, which is neutral and non-polar, with phenylalanine, which is neutral and non-polar, at codon 474 of the CACNA1C protein (p.Val474Phe). The frequency data for this variant in the population databases is considered unreliable, as metrics indicate poor data quality at this position in the gnomAD database. This missense change has been observed in individual(s) with CACNA1C-related conditions (PMID: 35885997). ClinVar contains an entry for this variant (Variation ID: 190698). Invitae Evidence Modeling of protein sequence and biophysical properties (such as structural, functional, and spatial information, amino acid conservation, physicochemical variation, residue mobility, and thermodynamic stability) has been performed for this missense variant. However, the output from this modeling did not meet the statistical confidence thresholds required to predict the impact of this variant on CACNA1C protein function. In summary, the available evidence is currently insufficient to determine the role of this variant in disease. Therefore, it has been classified as a Variant of Uncertain Significance.

Blueprint Genetics
Classification: Uncertain significance. Last evaluated: 2024-10-17. Review status: criteria provided, single submitter. Criteria: ACMG Guidelines, 2015. Collection method: clinical testing. Allele origin: germline.

Baylor Genetics
Classification: Uncertain significance for Long QT syndrome 8. Last evaluated: 2022-11-08. Review status: criteria provided, single submitter. Criteria: ACMG Guidelines, 2015. Collection method: clinical testing. Allele origin: unknown.

GeneDx
Classification: Uncertain significance. Last evaluated: 2017-03-07. Review status: criteria provided, single submitter. Criteria: GeneDx Variant Classification (06012015). Collection method: clinical testing. Allele origin: germline. Affected: yes.
Comment: p.Val474Phe (GTC>TTC): c.1420 G>T in exon 10 of the CACNA1C gene (NM_000719.6). The V474F variant has not been published as a mutation or as a benign polymorphism to our knowledge. The V474F variant was not observed in approximately 6,300 individuals of European and African American ancestry in the NHLBI Exome Sequencing Project, indicating it is not a common benign variant in these populations. In addition, this substitution occurs at a position that is completely conserved across species. Furthermore, in silico analysis predicts this variant is probably damaging to the protein structure/function. However, the V474F variant is a semi-conservative amino acid substitution, which may impact secondary protein structure as these residues differ in some properties. Moreover, no missense mutations in nearby residues have been reported in association with disease, indicating this region of the protein may be tolerant of change. Therefore, based on the currently available information, it is unclear whether this variant is a pathogenic mutation or a rare benign variant. The variant is found in ARRHYTHMIA panel(s).

Literature cited by the submitters: PubMed 35885997 (cited by Labcorp Genetics (formerly Invitae), Labcorp).

NM_000719.7(CACNA1C):c.1420G>T (p.Val474Phe)

Gene: CACNA1C (calcium voltage-gated channel subunit alpha1 C; plus strand). Cytogenetic location: 12p13.33.
Variant type: single nucleotide variant.
Coding change: c.1420G>T on transcript NM_000719.7 (MANE Select); coding-DNA position 1420, G replaced by T.
Protein change: p.Val474Phe; replaces valine 474 with phenylalanine.
Molecular consequence: missense variant.
Genome position (GRCh38, 1-based): chr12:2,549,972, G>T. VCF-style: chr12-2549972-G-T. GRCh37 (hg19) VCF-style: chr12-2659138-G-T.
Other names: p.V474F:GTC>TTC; c.1420G>T, p.Val474Phe (NM_001129837.2, NM_001129838.2, NM_001129839.2 and 18 more transcripts); c.1411G>T, p.Val471Phe (NM_001129844.2); short protein forms V474F, V471F.
Identifiers: ClinVar variation 190698 (VCV000190698.7), dbSNP rs765581751, ClinGen allele CA301711.